The following is an entry in ClinVar:

ClinVar aggregate classification (germline): Conflicting classifications of pathogenicity. Review status: criteria provided, conflicting classifications (1 of 4 stars). 7 submissions from 7 submitters: Likely pathogenic (2); Uncertain significance (4). 1 of the submissions does not count toward it. Last evaluated 2024-04-22.

Conditions:
Hereditary cancer-predisposing syndrome. Also called: Tumor predisposition; Hereditary Cancer Syndrome; Hereditary neoplastic syndrome; Neoplastic Syndromes, Hereditary. Identifiers: Orphanet 140162, MedGen C0027672, MeSH D009386, MONDO:0015356.
Breast-ovarian cancer, familial, susceptibility to, 5 (BROVCA5). Identifiers: MedGen C5830615, MONDO:0957530, OMIM 620442.
Familial cancer of breast. Also called: BREAST CANCER, FAMILIAL; hereditary breast carcinoma; Hereditary breast cancer. Identifiers: Orphanet 227535, MedGen C0346153, MONDO:0016419, OMIM 114480. Disease mechanism: loss of function.

Allele frequency attached by ClinVar (database versions not stated): gnomAD exomes below 0.00001; ExAC 0.00001.
gnomAD v4.1: 1 of 1,614,154 alleles (0.000062%); highest among the groups gnomAD compares: South Asian, 0.0011%; no homozygotes.

Submissions (7):

Labcorp Genetics (formerly Invitae), Labcorp
Classification: Uncertain significance for Familial cancer of breast. Last evaluated: 2024-04-22. Review status: criteria provided, single submitter. Criteria: Invitae Variant Classification Sherloc (09022015). Collection method: clinical testing. Allele origin: germline.
Comment: This sequence change affects an acceptor splice site in intron 6 of the PALB2 gene. RNA analysis indicates that disruption of this splice site induces altered splicing and likely results in the loss of 14 amino acid residue(s), but is expected to preserve the integrity of the reading-frame. This variant is present in population databases (rs761214886, gnomAD 0.003%). Disruption of this splice site has been observed in individual(s) with breast and/or ovarian cancer and gastric cancer (PMID: 33646313, 35220195, 35264596, 35734982). ClinVar contains an entry for this variant (Variation ID: 584905). Studies have shown disruption of this splice site is associated with in-frame insertion of 14 amino acids in the linker region between b-strand 7D (residues 855-860) and b-strand 1A (residues 868-877), but one or more of the resulting mRNA isoform(s) may be naturally occurring (PMID: 30890586). In summary, the available evidence is currently insufficient to determine the role of this variant in disease. Therefore, it has been classified as a Variant of Uncertain Significance.

Myriad Genetics, Inc.
Classification: Likely pathogenic for Familial cancer of breast. Last evaluated: 2023-09-13. Review status: criteria provided, single submitter. Criteria: Myriad Autosomal Dominant, Autosomal Recessive and X-Linked Classification Criteria (2023). Collection method: clinical testing. Allele origin: unknown.
Comment: This variant is considered likely pathogenic. This variant occurs within a consensus splice junction and is predicted to result in abnormal mRNA splicing of either an out-of-frame exon or an in-frame exon necessary for protein stability and/or normal function.

Ambry Genetics
Classification: Likely pathogenic for Hereditary cancer-predisposing syndrome. Last evaluated: 2023-04-14. Review status: criteria provided, single submitter. Criteria: Ambry Variant Classification Scheme 2023. Collection method: clinical testing. Allele origin: germline.
Comment: The c.2587-1G>C intronic variant results from a G to C substitution one nucleotide upstream from coding exon 7 of the PALB2 gene. This variant has been identified in an individuals diagnosed with breast or ovarian cancer (George SHL et al. JAMA Netw Open, 2021 Mar;4:e210307; Guindalini RSC et al. Sci Rep, 2022 Mar;12:4190; Bora E et al. Cancer Genet, 2022 Apr;262-263:118-133). This nucleotide position is highly conserved in available vertebrate species. In silico splice site analysis predicts that this alteration will weaken the native splice acceptor site and will result in the creation or strengthening of a novel splice acceptor site. RNA studies have demonstrated that this alteration results in abnormal splicing in the set of samples tested (Ambry internal data). Alterations that disrupt the canonical splice site are expected to cause aberrant splicing, resulting in an abnormal protein or a transcript that is subject to nonsense-mediated mRNA decay. As such, this alteration is classified likely pathogenic.

Department of Pathology and Laboratory Medicine, Sinai Health System
Classification: Uncertain significance for Breast-ovarian cancer, familial, susceptibility to, 5. Last evaluated: 2023-01-31. Review status: criteria provided, single submitter. Criteria: ACMG Guidelines, 2015. Collection method: clinical testing. Allele origin: germline. Affected: yes.

CeGaT Center for Human Genetics Tuebingen
Classification: Uncertain significance. Last evaluated: 2023-01-01. Review status: criteria provided, single submitter. Criteria: CeGaT Center For Human Genetics Tuebingen Variant Classification Criteria Version 2. Collection method: clinical testing. Allele origin: germline. Affected: yes. Observed: 1 variant allele.
Comment: PALB2: PM2, PS3:Supporting

GeneDx
Classification: Uncertain significance. Last evaluated: 2020-11-24. Review status: criteria provided, single submitter. Criteria: GeneDx Variant Classification Process June 2021. Collection method: clinical testing. Allele origin: germline. Affected: yes.
Comment: Not observed at a significant frequency in large population cohorts (Lek 2016); Canonical splice site variant expected to result in aberrant splicing; however, effect on protein function is unclear; Published functional studies demonstrate disruption of the consensus splice site and strengthening of a cryptic acceptor site in intron 6 generating multiple alternative transcripts, including one with an in-frame insertion of 14 amino acids (Lopez-Perolio 2019); This variant is associated with the following publications: (PMID: 30890586, 29922827)

Mendelics
Classification: Likely pathogenic for Familial cancer of breast. Last evaluated: 2019-05-28. Review status: flagged submission. Criteria: Mendelics Assertion Criteria 2017. Collection method: clinical testing. Allele origin: unknown. Not counted in ClinVar's aggregate classification.
ClinVar note: Reason: Claim with insufficient supporting evidence

Literature cited by the submitters: PubMed 33646313 (cited by Labcorp Genetics (formerly Invitae), Labcorp and Ambry Genetics); PubMed 35220195 (cited by Labcorp Genetics (formerly Invitae), Labcorp and Ambry Genetics); PubMed 35264596 (cited by Labcorp Genetics (formerly Invitae), Labcorp and Ambry Genetics); PubMed 35734982 (cited by Labcorp Genetics (formerly Invitae), Labcorp); PubMed 30890586 (cited by Labcorp Genetics (formerly Invitae), Labcorp and Department of Pathology and Laboratory Medicine, Sinai Health System).

NM_024675.4(PALB2):c.2587-1G>C

Gene: PALB2 (partner and localizer of BRCA2; minus strand). Cytogenetic location: 16p12.2.
Variant type: single nucleotide variant.
Coding change: c.2587-1G>C on transcript NM_024675.4 (MANE Select); the canonical splice acceptor site of the intron before coding-DNA position 2587, G replaced by C.
Molecular consequence: splice acceptor variant. On other transcripts: intron variant (3).
Genome position (GRCh38, 1-based): chr16:23,626,398, C>G on the plus strand (G>C on the coding strand, the complement: PALB2 is on the minus strand). VCF-style: chr16-23626398-C-G. GRCh37 (hg19) VCF-style: chr16-23637719-C-G.
Other names: c.1702-1G>C (NM_001407308.1, NM_001407306.1, NM_001407309.1 and 4 more transcripts); c.121-1G>C (NM_001407314.1); c.799-1G>C (NM_001407313.1, NM_001407312.1); c.2527-1G>C (NM_001407296.1); c.2515-1G>C (NM_001407297.1); c.2587-2304G>C (NM_001407302.1, NM_001407298.1); c.2587-1G>C (NM_001407300.1, NM_001407299.1, NM_001407301.1); c.1702-2304G>C (NM_001407307.1).
Identifiers: ClinVar variation 584905 (VCV000584905.45), dbSNP rs761214886, ClinGen allele CA7963519.